The following is an entry in ClinVar:

ClinVar aggregate classification (germline): Pathogenic. Review status: criteria provided, single submitter (1 of 4 stars). 2 submissions from 2 submitters: Pathogenic (1). 1 of the submissions does not count toward it. Last evaluated 2023-03-10.

Conditions:
Wilson disease (WND). Also called: Wilson's disease. Identifiers: Orphanet 905, MedGen C0019202, MONDO:0010200, OMIM 277900. Disease mechanism: loss of function.

Submissions (2):

Labcorp Genetics (formerly Invitae), Labcorp
Classification: Pathogenic for Wilson disease. Last evaluated: 2023-03-10. Review status: criteria provided, single submitter. Criteria: Invitae Variant Classification Sherloc (09022015). Collection method: clinical testing. Allele origin: germline.
Comment: This sequence change replaces threonine, which is neutral and polar, with proline, which is neutral and non-polar, at codon 1288 of the ATP7B protein (p.Thr1288Pro). This variant is not present in population databases (gnomAD no frequency). This missense change has been observed in individual(s) with Wilson disease (Invitae). In at least one individual the data is consistent with being in trans (on the opposite chromosome) from a pathogenic variant. ClinVar contains an entry for this variant (Variation ID: 950061). Advanced modeling of protein sequence and biophysical properties (such as structural, functional, and spatial information, amino acid conservation, physicochemical variation, residue mobility, and thermodynamic stability) performed at Invitae indicates that this missense variant is expected to disrupt ATP7B protein function. This variant disrupts the p.Thr1288 amino acid residue in ATP7B. Other variant(s) that disrupt this residue have been observed in individuals with ATP7B-related conditions (PMID: 10394193, 16416207), which suggests that this may be a clinically significant amino acid residue. For these reasons, this variant has been classified as Pathogenic.

Natera, Inc.
Classification: Uncertain significance for Wilson disease. Last evaluated: 2021-09-29. Review status: no assertion criteria provided. Collection method: clinical testing. Allele origin: germline. Not counted in ClinVar's aggregate classification.

Literature cited by the submitters: PubMed 10394193 (cited by Labcorp Genetics (formerly Invitae), Labcorp); PubMed 16416207 (cited by Labcorp Genetics (formerly Invitae), Labcorp).

NM_000053.4(ATP7B):c.3862A>C (p.Thr1288Pro)

Gene: ATP7B (ATPase copper transporting beta; minus strand). Cytogenetic location: 13q14.3.
Variant type: single nucleotide variant.
Coding change: c.3862A>C on transcript NM_000053.4 (MANE Select); coding-DNA position 3862, A replaced by C.
Protein change: p.Thr1288Pro; replaces threonine 1288 with proline.
Molecular consequence: missense variant.
Genome position (GRCh38, 1-based): chr13:51,937,517, T>G on the plus strand (A>C on the coding strand, the complement: ATP7B is on the minus strand). VCF-style: chr13-51937517-T-G. GRCh37 (hg19) VCF-style: chr13-52511653-T-G.
Other names: c.3241A>C, p.Thr1081Pro (NM_001005918.3); c.3529A>C, p.Thr1177Pro (NM_001243182.2); c.3628A>C, p.Thr1210Pro (NM_001330578.2); c.3610A>C, p.Thr1204Pro (NM_001330579.2); short protein forms T1288P, T1204P, T1177P, T1081P, T1210P.
Identifiers: ClinVar variation 950061 (VCV000950061.13), dbSNP rs1257330000, ClinGen allele CA388021577.